The following is an entry in ClinVar:

NM_001458.5(FLNC):c.2121+236A>T

Gene: FLNC (filamin C; plus strand). Cytogenetic location: 7q32.1.
Variant type: single nucleotide variant.
Coding change: c.2121+236A>T on transcript NM_001458.5 (MANE Select); 236 bases into the intron after coding-DNA position 2121, A replaced by T.
Molecular consequence: intron variant.
Genome position (GRCh38, 1-based): chr7:128,841,803, A>T. VCF-style: chr7-128841803-A-T. GRCh37 (hg19) VCF-style: chr7-128481857-A-T.
Other names: c.2121+236A>T (NM_001127487.2).
Identifiers: ClinVar variation 680200 (VCV000680200.2), dbSNP rs76879769, ClinGen allele CA12482233.
Genomic context (GRCh38, chr7:128,841,803, plus strand): 5'-CTTAACGATGATAACCTAAAAACGTATTTTACCAAAGAGTCATTTTTGTGCTAATTTGTA[A>T]TTGAAAGATTGTTTCATTGAATAAGACACTGGTTTCCCAAGTCAGTTTCTCAGACTGGTG-3'

ClinVar aggregate classification (germline): Benign. Review status: criteria provided, multiple submitters, no conflicts (2 of 4 stars). 2 submissions from 2 submitters: Benign (2). Last evaluated 2018-06-14.

Allele frequency attached by ClinVar (database versions not stated): TOPMed 0.14937; gnomAD 0.15111 and 0.15460; 1000 Genomes Project 0.16713; 1000 Genomes Project 30x 0.16818.
gnomAD v4.1: 23,575 of 152,278 alleles (15%); highest among the groups gnomAD compares: East Asian, 25%; 2,205 homozygotes.

Submissions (2):

GeneDx
Classification: Benign. Last evaluated: 2018-06-14. Review status: criteria provided, single submitter. Criteria: GeneDx Variant Classification (06012015). Collection method: clinical testing. Allele origin: germline. Affected: yes.
Comment: This variant is considered likely benign or benign based on one or more of the following criteria: it is a conservative change, it occurs at a poorly conserved position in the protein, it is predicted to be benign by multiple in silico algorithms, and/or has population frequency not consistent with disease.

Breakthrough Genomics
Classification: Benign. Review status: criteria provided, single submitter. Criteria: ACMG Guidelines, 2015. Collection method: not provided. Allele origin: germline. Inheritance: Autosomal dominant inheritance. Affected: yes.